The following is an entry in ClinVar:

ClinVar aggregate classification (germline): Uncertain significance (1 of 4 stars; one submission).

Conditions:
Epidermolysis bullosa simplex 3, localized or generalized intermediate, with BP230 deficiency (EBS3). Also called: Epidermolysis bullosa simplex, autosomal recessive 2; Epidermolysis bullosa simplex due to BP230 deficiency. Identifiers: Orphanet 412181, MedGen C3809470, MONDO:0014180, OMIM 615425.
Hereditary sensory and autonomic neuropathy type 6. Also called: Neuropathy, hereditary sensory and autonomic, type VI; HSAN VI. Identifiers: Orphanet 314381, MedGen C3539003, MONDO:0013839, OMIM 614653.

Allele frequency attached by ClinVar (database versions not stated): gnomAD exomes below 0.00001.
gnomAD v4.1: 2 of 1,601,934 alleles (0.00012%); highest among the groups gnomAD compares: Admixed American, 0.0017%; no homozygotes.

Submission:

Labcorp Genetics (formerly Invitae), Labcorp
Classification: Uncertain significance for Epidermolysis bullosa simplex 3, localized or generalized intermediate, with BP230 deficiency; Hereditary sensory and autonomic neuropathy type 6. Last evaluated: 2022-08-09. Review status: criteria provided, single submitter. Criteria: Invitae Variant Classification Sherloc (09022015). Collection method: clinical testing. Allele origin: germline.
Comment: In summary, the available evidence is currently insufficient to determine the role of this variant in disease. Therefore, it has been classified as a Variant of Uncertain Significance. Variants that disrupt the consensus splice site are a relatively common cause of aberrant splicing (PMID: 17576681, 9536098). Algorithms developed to predict the effect of sequence changes on RNA splicing suggest that this variant is not likely to affect RNA splicing. This variant has not been reported in the literature in individuals affected with DST-related conditions. This variant is not present in population databases (gnomAD no frequency). This sequence change replaces glutamine, which is neutral and polar, with histidine, which is basic and polar, at codon 4075 of the DST protein (p.Gln4075His). This variant also falls at the last nucleotide of exon 62, which is part of the consensus splice site for this exon. The DST gene has multiple clinically relevant transcripts. This variant occurs in alternate transcript NM_015548.4, and corresponds to NM_001723.5 c.*117661G>C in the primary transcript.

Literature cited by the submitters: PubMed 17576681; PubMed 9536098.

NM_001374736.1(DST):c.20094G>C (p.Gln6698His)

Gene: DST (dystonin; minus strand). Cytogenetic location: 6p12.1.
Variant type: single nucleotide variant.
Coding change: c.20094G>C on transcript NM_001374736.1 (MANE Select); coding-DNA position 20094, G replaced by C.
Protein change: p.Gln6698His; replaces glutamine 6698 with histidine.
Molecular consequence: missense variant.
Genome position (GRCh38, 1-based): chr6:56,497,856, C>G on the plus strand (G>C on the coding strand, the complement: DST is on the minus strand). VCF-style: chr6-56497856-C-G. GRCh37 (hg19) VCF-style: chr6-56362654-C-G.
Other names: c.13737G>C, p.Gln4579His (NM_001144769.5); c.13323G>C, p.Gln4441His (NM_001144770.2); c.20094G>C, p.Gln6698His (NM_001374722.1); c.19134G>C, p.Gln6378His (NM_001374729.1); c.12876G>C, p.Gln4292His (NM_001374730.1); c.20121G>C, p.Gln6707His (NM_001374734.1); c.12225G>C, p.Gln4075His (NM_015548.5); c.13203G>C, p.Gln4401His (NM_183380.4); short protein forms Q4441H, Q4579H, Q4075H, Q4292H, Q6378H, Q6698H, Q4401H, Q6707H.
Identifiers: ClinVar variation 969805 (VCV000969805.10), dbSNP rs2095975052, ClinGen allele CA364518862.